The following is an entry in ClinVar:

NM_000111.3(SLC26A3):c.431C>T (p.Ala144Val)

Gene: SLC26A3 (solute carrier family 26 member 3; minus strand). Cytogenetic location: 7q22.3.
Variant type: single nucleotide variant.
Coding change: c.431C>T on transcript NM_000111.3 (MANE Select); coding-DNA position 431, C replaced by T.
Protein change: p.Ala144Val; replaces alanine 144 with valine.
Molecular consequence: missense variant.
Genome position (GRCh38, 1-based): chr7:107,791,187, G>A on the plus strand (C>T on the coding strand, the complement: SLC26A3 is on the minus strand). VCF-style: chr7-107791187-G-A. GRCh37 (hg19) VCF-style: chr7-107431632-G-A.
Other names: short protein forms A144V.
Identifiers: ClinVar variation 2126609 (VCV002126609.3), dbSNP rs967589016, ClinGen allele CA164252392.

ClinVar aggregate classification (germline): Uncertain significance. Review status: criteria provided, multiple submitters, no conflicts (2 of 4 stars). 2 submissions from 2 submitters: Uncertain significance (2). Last evaluated 2024-10-29.

Conditions:
Congenital secretory diarrhea, chloride type (DIAR1). Also called: CHLORIDE DIARRHEA, CONGENITAL, FINNISH TYPE; DIARRHEA 1, SECRETORY CHLORIDE, CONGENITAL; CHLORIDORRHEA, CONGENITAL. Identifiers: Orphanet 53689, MedGen C0267662, MONDO:0008964, OMIM 214700.

Allele frequency attached by ClinVar (database versions not stated): gnomAD exomes below 0.00001; gnomAD 0.00003.
gnomAD v4.1: 7 of 1,614,054 alleles (0.00043%); highest among the groups gnomAD compares: African/African-American, 0.0093%; no homozygotes.

Submissions (2):

Labcorp Genetics (formerly Invitae), Labcorp
Classification: Uncertain significance. Last evaluated: 2024-10-29. Review status: criteria provided, single submitter. Criteria: Invitae Variant Classification Sherloc (09022015). Collection method: clinical testing. Allele origin: germline.
Comment: This sequence change replaces alanine, which is neutral and non-polar, with valine, which is neutral and non-polar, at codon 144 of the SLC26A3 protein (p.Ala144Val). The frequency data for this variant in the population databases is considered unreliable, as metrics indicate poor data quality at this position in the gnomAD database. This variant has not been reported in the literature in individuals affected with SLC26A3-related conditions. ClinVar contains an entry for this variant (Variation ID: 2126609). Invitae Evidence Modeling of protein sequence and biophysical properties (such as structural, functional, and spatial information, amino acid conservation, physicochemical variation, residue mobility, and thermodynamic stability) indicates that this missense variant is not expected to disrupt SLC26A3 protein function with a negative predictive value of 95%. In summary, the available evidence is currently insufficient to determine the role of this variant in disease. Therefore, it has been classified as a Variant of Uncertain Significance.

Fulgent Genetics
Classification: Uncertain significance for Congenital secretory diarrhea, chloride type. Last evaluated: 2024-05-17. Review status: criteria provided, single submitter. Criteria: ACMG Guidelines, 2015. Collection method: clinical testing. Allele origin: germline.